The following is an entry in ClinVar:

NM_206933.4(USH2A):c.10437G>A (p.Trp3479Ter)

Gene: USH2A (usherin; minus strand). Cytogenetic location: 1q41.
Variant type: single nucleotide variant.
Coding change: c.10437G>A on transcript NM_206933.4 (MANE Select); coding-DNA position 10437, G replaced by A.
Protein change: p.Trp3479Ter; replaces tryptophan 3479 with a stop codon.
Molecular consequence: nonsense.
Genome position (GRCh38, 1-based): chr1:215,782,886, C>T on the plus strand (G>A on the coding strand, the complement: USH2A is on the minus strand). VCF-style: chr1-215782886-C-T. GRCh37 (hg19) VCF-style: chr1-215956228-C-T.
Other names: c.10437G>A (NM_206933.2); short protein forms W3479*.
Identifiers: ClinVar variation 1361561 (VCV001361561.8), dbSNP rs1308924086, ClinGen allele CA344838004.

ClinVar aggregate classification (germline): Pathogenic/Likely pathogenic. Review status: criteria provided, multiple submitters, no conflicts (2 of 4 stars). 3 submissions from 3 submitters: Pathogenic (1); Likely pathogenic (2). Last evaluated 2024-02-26.

Conditions:
USH2A-related disorder. Also called: USH2A-related disorders; USH2A-related condition. Identifiers: MedGen CN239332.
Usher syndrome type 2A. Also called: USHER SYNDROME, TYPE IIA; RETINAL DISEASE IN USHER SYNDROME TYPE IIA, MODIFIER OF. Identifiers: Orphanet 231178, Orphanet 886, MedGen C1848634, MONDO:0010169, OMIM 276901.

gnomAD v4.1: 2 of 1,613,686 alleles (0.00012%); highest among the groups gnomAD compares: African/African-American, 0.0013%; no homozygotes.

Submissions (3):

Natera, Inc.
Classification: Likely pathogenic for Usher syndrome type 2A. Last evaluated: 2024-02-26. Review status: criteria provided, single submitter. Criteria: Natera Variant Classification Schema (03/2026). Collection method: clinical testing. Allele origin: germline.
Comment: The c.10437G>A variant in USH2A is a nonsense variant predicted to introduce a stop codon at amino acid 3479. This variant is expected to result in nonsense mediated decay, truncation, or a dysfunctional protein product. This variant is rare in the general population with a frequency below the threshold expected for the associated phenotype(s). Given the available evidence, this variant is classified as Likely Pathogenic.

Labcorp Genetics (formerly Invitae), Labcorp
Classification: Pathogenic. Last evaluated: 2023-08-28. Review status: criteria provided, single submitter. Criteria: Invitae Variant Classification Sherloc (09022015). Collection method: clinical testing. Allele origin: germline.
Comment: This variant has not been reported in the literature in individuals affected with USH2A-related conditions. For these reasons, this variant has been classified as Pathogenic. ClinVar contains an entry for this variant (Variation ID: 1361561). This variant is not present in population databases (gnomAD no frequency). This sequence change creates a premature translational stop signal (p.Trp3479*) in the USH2A gene. It is expected to result in an absent or disrupted protein product. Loss-of-function variants in USH2A are known to be pathogenic (PMID: 10729113, 10909849, 20507924, 25649381).

Blueprint Genetics
Classification: Likely pathogenic for USH2A-related disorders. Last evaluated: 2022-01-03. Review status: criteria provided, single submitter. Criteria: ACMG Guidelines, 2015. Collection method: clinical testing. Allele origin: germline. Affected: yes. Observed: 2 variant alleles.

Literature cited by the submitters: PubMed 10729113 (cited by Labcorp Genetics (formerly Invitae), Labcorp); PubMed 10909849 (cited by Labcorp Genetics (formerly Invitae), Labcorp); PubMed 20507924 (cited by Labcorp Genetics (formerly Invitae), Labcorp); PubMed 25649381 (cited by Labcorp Genetics (formerly Invitae), Labcorp).